The following is an entry in ClinVar:

ClinVar aggregate classification (germline): Benign. Review status: criteria provided, multiple submitters, no conflicts (2 of 4 stars). 2 submissions from 2 submitters: Benign (2). Last evaluated 2018-01-12.

Conditions:
Heterotaxy, visceral, 4, autosomal (HTX4). Identifiers: Orphanet 450, MedGen C3151057, MONDO:0013403, OMIM 613751.

Allele frequency attached by ClinVar (database versions not stated): 1000 Genomes Project 30x 0.34697; 1000 Genomes Project 0.35323; TOPMed 0.40019; gnomAD 0.42327 and 0.42678; gnomAD exomes 0.51179.
gnomAD v4.1: 65,076 of 152,208 alleles (43%); highest among the groups gnomAD compares: Non-Finnish European, 57%; 16,258 homozygotes.

Submissions (2):

Illumina Laboratory Services, Illumina
Classification: Benign for Heterotaxy, visceral, 4, autosomal. Last evaluated: 2018-01-12. Review status: criteria provided, single submitter. Criteria: ICSL Variant Classification Criteria 13 December 2019. Collection method: clinical testing. Allele origin: germline.
Comment: This variant was observed in the ICSL laboratory as part of a predisposition screen in an ostensibly healthy population. It had not been previously curated by ICSL or reported in the Human Gene Mutation Database (HGMD: prior to June 1st, 2018), and was therefore a candidate for classification through an automated scoring system. Utilizing variant allele frequency, disease prevalence and penetrance estimates, and inheritance mode, an automated score was calculated to assess if this variant is too frequent to cause the disease. Based on the score and internal cut-off values, a variant classified as benign is not then subjected to further curation. The score for this variant resulted in a classification of benign for this disease.

Breakthrough Genomics
Classification: Benign. Review status: criteria provided, single submitter. Criteria: ACMG Guidelines, 2015. Collection method: not provided. Allele origin: germline. Inheritance: Unknown mechanism. Affected: yes.

NM_001106.4(ACVR2B):c.*7688G>A

Gene: ACVR2B (activin A receptor type 2B; plus strand). Cytogenetic location: 3p22.2.
Variant type: single nucleotide variant.
Coding change: c.*7688G>A on transcript NM_001106.4 (MANE Select); 7688 bases downstream of the stop codon, G replaced by A.
Molecular consequence: 3 prime UTR variant.
Genome position (GRCh38, 1-based): chr3:38,491,020, G>A. VCF-style: chr3-38491020-G-A. GRCh37 (hg19) VCF-style: chr3-38532511-G-A.
Identifiers: ClinVar variation 345025 (VCV000345025.6), dbSNP rs1058945, ClinGen allele CA10618639.